The following is an entry in ClinVar:

NM_001291415.2(KDM6A):c.1706A>T (p.Gln569Leu)

Gene: KDM6A (lysine demethylase 6A; plus strand). Cytogenetic location: Xp11.3.
Variant type: single nucleotide variant.
Coding change: c.1706A>T on transcript NM_001291415.2 (MANE Select); coding-DNA position 1706, A replaced by T.
Protein change: p.Gln569Leu; replaces glutamine 569 with leucine.
Molecular consequence: missense variant. On other transcripts: non-coding transcript variant (1).
Genome position (GRCh38, 1-based): chrX:45,063,444, A>T. VCF-style: chrX-45063444-A-T. GRCh37 (hg19) VCF-style: chrX-44922689-A-T.
Other names: c.1571A>T, p.Gln524Leu (NM_001291416.2, NM_001419811.1); c.1415A>T, p.Gln472Leu (NM_001291417.2); c.1313A>T, p.Gln438Leu (NM_001291418.2, NM_001419815.1); c.662A>T, p.Gln221Leu (NM_001291421.2); c.1448A>T, p.Gln483Leu (NM_001410742.1, NM_001419814.1); c.1706A>T, p.Gln569Leu (NM_001419809.1); c.1604A>T, p.Gln535Leu (NM_001419810.1, NM_001419813.1); c.1550A>T, p.Gln517Leu (NM_001419812.1, NM_021140.4); short protein forms Q221L, Q438L, Q472L, Q483L, Q517L, Q524L, Q535L, Q569L.
Identifiers: ClinVar variation 3364988 (VCV003364988.1).

ClinVar aggregate classification (germline): Uncertain significance (1 of 4 stars; one submission).

Submission:

GeneDx
Classification: Uncertain significance. Last evaluated: 2023-11-30. Review status: criteria provided, single submitter. Criteria: GeneDx Variant Classification Process June 2021. Collection method: clinical testing. Allele origin: germline. Affected: yes.
Comment: Not observed at significant frequency in large population cohorts (gnomAD); In silico analysis supports that this missense variant has a deleterious effect on protein structure/function; Has not been previously published as pathogenic or benign to our knowledge